The following is an entry in ClinVar:

ClinVar aggregate classification (germline): Conflicting classifications of pathogenicity. Review status: criteria provided, conflicting classifications (1 of 4 stars). 2 submissions from 2 submitters: Uncertain significance (1); Likely benign (1). Last evaluated 2025-07-17.

Conditions:
BICD1-related condition.

Allele frequency attached by ClinVar (database versions not stated): gnomAD exomes 0.00006; ESP Exome Variant Server 0.00008; gnomAD 0.00008; TOPMed 0.00010; ExAC 0.00015.
gnomAD v4.1: 139 of 1,599,126 alleles (0.0087%); highest among the groups gnomAD compares: East Asian, 0.027%; 1 homozygote.

Submissions (2):

PreventionGenetics, part of Exact Sciences
Classification: Likely benign for BICD1-related condition. Last evaluated: 2025-07-17. Review status: criteria provided, single submitter. Criteria: ACMG Guidelines, 2015. Collection method: clinical testing. Allele origin: germline.
Comment: This variant is classified as likely benign based on ACMG/AMP sequence variant interpretation guidelines (Richards et al. 2015 PMID: 25741868, with internal and published modifications).

Ambry Genetics
Classification: Uncertain significance. Last evaluated: 2022-12-16. Review status: criteria provided, single submitter. Criteria: Ambry Variant Classification Scheme 2023. Collection method: clinical testing. Allele origin: germline.

NM_001714.4(BICD1):c.188A>G (p.Lys63Arg)

Gene: BICD1 (BICD cargo adaptor 1; plus strand). Cytogenetic location: 12p11.21.
Variant type: single nucleotide variant.
Coding change: c.188A>G on transcript NM_001714.4 (MANE Select); coding-DNA position 188, A replaced by G.
Protein change: p.Lys63Arg; replaces lysine 63 with arginine.
Molecular consequence: missense variant. On other transcripts: non-coding transcript variant (1).
Genome position (GRCh38, 1-based): chr12:32,107,519, A>G. VCF-style: chr12-32107519-A-G. GRCh37 (hg19) VCF-style: chr12-32260453-A-G.
Other names: c.188A>G, p.Lys63Arg (NM_001003398.3, NM_001354186.2, NM_001354187.2 and 30 more transcripts); c.188A>G (NM_001354186.1); short protein forms K63R.
Identifiers: ClinVar variation 2349514 (VCV002349514.3), dbSNP rs199983081, ClinGen allele CA6505940.